The following is an entry in ClinVar:

NM_025136.4(OPA3):c.244G>T (p.Glu82Ter)

Genes: OPA3 (outer mitochondrial membrane lipid metabolism regulator OPA3; minus strand), OPA3-RTN2 (OPA3-RTN2 readthrough; minus strand). Cytogenetic location: 19q13.32.
Variant type: single nucleotide variant.
Coding change: c.244G>T on transcript NM_025136.4 (MANE Select); coding-DNA position 244, G replaced by T.
Protein change: p.Glu82Ter; replaces glutamic acid 82 with a stop codon.
Molecular consequence: nonsense. On other transcripts: intron variant (1).
Genome position (GRCh38, 1-based): chr19:45,553,810, C>A on the plus strand (G>T on the coding strand, the complement: OPA3 is on the minus strand). VCF-style: chr19-45553810-C-A. GRCh37 (hg19) VCF-style: chr19-46057068-C-A.
Other names: c.143-24354G>T (NM_001017989.3); short protein forms E82*.
Identifiers: ClinVar variation 1969576 (VCV001969576.3), dbSNP rs2513824455, ClinGen allele CA406371107.

ClinVar aggregate classification (germline): Conflicting classifications of pathogenicity. Review status: criteria provided, conflicting classifications (1 of 4 stars). 2 submissions from 2 submitters: Likely pathogenic (1); Uncertain significance (1). Last evaluated 2024-01-16.

Conditions:
Optic atrophy 3 (OPA3). Also called: Optic atrophy, cataract, and neurologic disorder; OPTIC ATROPHY 3, AUTOSOMAL DOMINANT; Optic atrophy 3 with cataract. Identifiers: Orphanet 67036, MedGen C1833809, MONDO:0008133, OMIM 165300.
3-Methylglutaconic aciduria type 3 (MGCA3). Also called: OPA3, AUTOSOMAL RECESSIVE; OPTIC ATROPHY 3, AUTOSOMAL RECESSIVE; OPA3-Related 3-Methylglutaconic Aciduria; Costeff Syndrome. Identifiers: Orphanet 67047, MedGen C0574084, MONDO:0009787, OMIM 258501.

Submissions (2):

Fulgent Genetics
Classification: Likely pathogenic for Optic atrophy 3; 3-Methylglutaconic aciduria type 3. Last evaluated: 2024-01-16. Review status: criteria provided, single submitter. Criteria: ACMG Guidelines, 2015. Collection method: clinical testing. Allele origin: germline.

Labcorp Genetics (formerly Invitae), Labcorp
Classification: Uncertain significance for 3-Methylglutaconic aciduria type 3; Optic atrophy 3. Last evaluated: 2022-09-13. Review status: criteria provided, single submitter. Criteria: Invitae Variant Classification Sherloc (09022015). Collection method: clinical testing. Allele origin: germline.
Comment: This sequence change creates a premature translational stop signal (p.Glu82*) in the OPA3 gene. While this is not anticipated to result in nonsense mediated decay, it is expected to disrupt the last 98 amino acid(s) of the OPA3 protein. This variant is not present in population databases (gnomAD no frequency). This variant has not been reported in the literature in individuals affected with OPA3-related conditions. Experimental studies and prediction algorithms are not available or were not evaluated, and the functional significance of this variant is currently unknown. This variant disrupts a region of the OPA3 protein in which other variant(s) (p.Gln139*) have been observed in individuals with OPA3-related conditions (PMID: 18985435). This suggests that this is a clinically significant region of the protein, and that variants that disrupt it are likely to be disease-causing. In summary, the available evidence is currently insufficient to determine the role of this variant in disease. Therefore, it has been classified as a Variant of Uncertain Significance.

Literature cited by the submitters: PubMed 18985435 (cited by Labcorp Genetics (formerly Invitae), Labcorp).